The following is an entry in ClinVar:

NM_004817.4(TJP2):c.1671+8C>G

Gene: TJP2 (tight junction protein 2; plus strand). Cytogenetic location: 9q21.11.
Variant type: single nucleotide variant.
Coding change: c.1671+8C>G on transcript NM_004817.4 (MANE Select); 8 bases into the intron after coding-DNA position 1671, C replaced by G.
Molecular consequence: intron variant.
Genome position (GRCh38, 1-based): chr9:69,230,240, C>G. VCF-style: chr9-69230240-C-G. GRCh37 (hg19) VCF-style: chr9-71845156-C-G.
Other names: c.1602+8C>G (NM_001170414.2, NM_001369871.1); c.1596+8C>G (NM_001369870.1); c.1671+8C>G (NM_201629.3, NM_001369872.1, NM_001369873.1); c.1683+8C>G (NM_001170415.1, NM_001369875.1, NM_001369874.1); c.1764+8C>G (NM_001170416.2).
Identifiers: ClinVar variation 3350645 (VCV003350645.1).

ClinVar aggregate classification (germline): Likely benign (0 of 4 stars; one submission).

Conditions:
TJP2-related disorder. Also called: TJP2-related condition.

gnomAD v4.1: 6 of 1,614,078 alleles (0.00037%); highest among the groups gnomAD compares: Non-Finnish European, 0.00051%; no homozygotes.

Submission:

PreventionGenetics, part of Exact Sciences
Classification: Likely benign for TJP2-related condition. Last evaluated: 2019-07-23. Review status: no assertion criteria provided. Collection method: clinical testing. Allele origin: germline.
Comment: This variant is classified as likely benign based on ACMG/AMP sequence variant interpretation guidelines (Richards et al. 2015 PMID: 25741868, with internal and published modifications).